The following is an entry in ClinVar:

NM_001101426.4(CRPPA):c.1251G>C (p.Gln417His)

Genes: CRPPA (CDP-L-ribitol pyrophosphorylase A; minus strand), CRPPA-AS1 (CRPPA antisense RNA 1; plus strand). Cytogenetic location: 7p21.2.
Variant type: single nucleotide variant.
Coding change: c.1251G>C on transcript NM_001101426.4 (MANE Select); coding-DNA position 1251, G replaced by C.
Protein change: p.Gln417His; replaces glutamine 417 with histidine.
Molecular consequence: missense variant. On other transcripts: non-coding transcript variant (1).
Genome position (GRCh38, 1-based): chr7:16,216,066, C>G on the plus strand (G>C on the coding strand, the complement: CRPPA is on the minus strand). VCF-style: chr7-16216066-C-G. GRCh37 (hg19) VCF-style: chr7-16255691-C-G.
Other names: c.1101G>C, p.Gln367His (NM_001101417.4); c.1146G>C, p.Gln382His (NM_001368197.1); short protein forms Q367H, Q382H, Q417H.
Identifiers: ClinVar variation 4881253 (VCV004881253.2).

ClinVar aggregate classification (germline): Uncertain significance (1 of 4 stars; one submission).

Submission:

Dasa
Classification: Uncertain significance. Last evaluated: 2025-01-07. Review status: criteria provided, single submitter. Criteria: DASA Assertion Criteria. Collection method: clinical testing. Allele origin: germline.
Comment: NM_001101426.4(CRPPA):c.1251G>C (p.Gln417His) is a missense variant that results in the substitution of glutamine with histidine. This variant is absent from population databases. The currently available literature and clinical evidence are not sufficient to establish a definitive association between this variant and the reported condition. Therefore, this variant is classified as a variant of uncertain significance.